The following is an entry in ClinVar:

NM_005045.4(RELN):c.474-3C>T

Gene: RELN (reelin; minus strand). Cytogenetic location: 7q22.1.
Variant type: single nucleotide variant.
Coding change: c.474-3C>T on transcript NM_005045.4 (MANE Select); 3 bases into the intron before coding-DNA position 474, C replaced by T.
Molecular consequence: intron variant.
Genome position (GRCh38, 1-based): chr7:103,776,630, G>A on the plus strand (C>T on the coding strand, the complement: RELN is on the minus strand). VCF-style: chr7-103776630-G-A. GRCh37 (hg19) VCF-style: chr7-103417077-G-A.
Other names: c.474-3C>T (NM_173054.3).
Identifiers: ClinVar variation 1523064 (VCV001523064.6), dbSNP rs2116212304, ClinGen allele CA2573141364.

ClinVar aggregate classification (germline): Uncertain significance (1 of 4 stars; one submission).

Conditions:
Familial temporal lobe epilepsy 7. Identifiers: Orphanet 101046, MedGen C4225327, MONDO:0014639, OMIM 616436.
Norman-Roberts syndrome (LIS2). Also called: Lissencephaly 2 (Norman-Roberts type). Identifiers: Orphanet 89844, MedGen C0796089, MONDO:0009760, OMIM 257320.

Submission:

Labcorp Genetics (formerly Invitae), Labcorp
Classification: Uncertain significance for Familial temporal lobe epilepsy 7; Norman-Roberts syndrome. Last evaluated: 2023-08-04. Review status: criteria provided, single submitter. Criteria: Invitae Variant Classification Sherloc (09022015). Collection method: clinical testing. Allele origin: germline.
Comment: In summary, the available evidence is currently insufficient to determine the role of this variant in disease. Therefore, it has been classified as a Variant of Uncertain Significance. Variants that disrupt the consensus splice site are a relatively common cause of aberrant splicing (PMID: 17576681, 9536098). Algorithms developed to predict the effect of sequence changes on RNA splicing suggest that this variant is not likely to affect RNA splicing. ClinVar contains an entry for this variant (Variation ID: 1523064). This variant has not been reported in the literature in individuals affected with RELN-related conditions. This variant is not present in population databases (gnomAD no frequency). This sequence change falls in intron 3 of the RELN gene. It does not directly change the encoded amino acid sequence of the RELN protein. It affects a nucleotide within the consensus splice site.

Literature cited by the submitters: PubMed 17576681; PubMed 9536098.